The following is an entry in ClinVar:

ClinVar aggregate classification (germline): Conflicting classifications of pathogenicity. Review status: criteria provided, conflicting classifications (1 of 4 stars). 7 submissions from 7 submitters: Uncertain significance (1); Benign (1); Likely benign (4). 1 of the submissions does not count toward it. Last evaluated 2026-02-01.

Conditions:
Finnish congenital nephrotic syndrome (NPHS1). Also called: NEPHROTIC SYNDROME, TYPE 1. Identifiers: Orphanet 839, MedGen C0403399, MONDO:0009732, OMIM 256300.
Congenital nephrotic syndrome. Also called: Familial nephrotic syndrome. Identifiers: MedGen C3501848, MeSH C535761, MONDO:0002350, HP:0008677.
Focal segmental glomerulosclerosis (FSGS). Also called: Glomerulosclerosis, focal; Focal sclerosis with hyalinosis. Identifiers: MedGen C0017668, MONDO:0100313, HP:0000097. Disease mechanism: loss of function.

Allele frequency attached by ClinVar (database versions not stated): gnomAD exomes 0.00039 and 0.00102; ExAC 0.00133; gnomAD 0.00406 and 0.00420; TOPMed 0.00427; ESP Exome Variant Server 0.00515; 1000 Genomes Project 30x 0.00703; 1000 Genomes Project 0.00719.
gnomAD v4.1: 1,198 of 1,614,252 alleles (0.074%); highest among the groups gnomAD compares: African/African-American, 1.5%; 9 homozygotes.

Submissions (7):

Labcorp Genetics (formerly Invitae), Labcorp
Classification: Benign. Last evaluated: 2026-02-01. Review status: criteria provided, single submitter. Criteria: Invitae Variant Classification Sherloc (09022015). Collection method: clinical testing. Allele origin: germline.

Mayo Clinic Laboratories, Mayo Clinic
Classification: Likely benign. Last evaluated: 2025-09-20. Review status: criteria provided, single submitter. Criteria: ACMG Guidelines, 2015. Collection method: clinical testing. Allele origin: germline. Observed: 2 variant alleles.
Comment: BS1, BP4, BP7

Blueprint Genetics
Classification: Likely benign. Last evaluated: 2024-09-13. Review status: criteria provided, single submitter. Criteria: ACMG Guidelines, 2015. Collection method: clinical testing. Allele origin: germline.

Genome Diagnostics Laboratory, The Hospital for Sick Children
Classification: Likely benign for Focal segmental glomerulosclerosis. Last evaluated: 2022-08-16. Review status: criteria provided, single submitter. Criteria: ACMG Guidelines, 2015. Collection method: clinical testing. Allele origin: germline.

GeneDx
Classification: Likely benign. Last evaluated: 2020-06-25. Review status: criteria provided, single submitter. Criteria: GeneDx Variant Classification Process June 2021. Collection method: clinical testing. Allele origin: germline. Affected: yes.

Illumina Laboratory Services, Illumina
Classification: Uncertain significance for Congenital nephrotic syndrome. Last evaluated: 2018-01-13. Review status: criteria provided, single submitter. Criteria: ICSL Variant Classification Criteria 13 December 2019. Collection method: clinical testing. Allele origin: germline.

Natera, Inc.
Classification: Benign for Finnish congenital nephrotic syndrome. Last evaluated: 2020-09-16. Review status: no assertion criteria provided. Collection method: clinical testing. Allele origin: germline. Not counted in ClinVar's aggregate classification.

NM_004646.4(NPHS1):c.1908C>T (p.Ser636=)

Gene: NPHS1 (NPHS1 adhesion molecule, nephrin; minus strand). Cytogenetic location: 19q13.12.
Variant type: single nucleotide variant.
Coding change: c.1908C>T on transcript NM_004646.4 (MANE Select); coding-DNA position 1908, C replaced by T.
Protein change: p.Ser636=; no amino-acid change (serine 636 retained).
Molecular consequence: synonymous variant.
Genome position (GRCh38, 1-based): chr19:35,845,390, G>A on the plus strand (C>T on the coding strand, the complement: NPHS1 is on the minus strand). VCF-style: chr19-35845390-G-A. GRCh37 (hg19) VCF-style: chr19-36336292-G-A.
Other names: p.Ser636=.
Identifiers: ClinVar variation 720782 (VCV000720782.21), dbSNP rs34761059, ClinGen allele CA9390301.
Genomic context (GRCh38, chr19:35,845,390, plus strand): 5'-GAAGGCATCGAGAGGGGCTTTCAGGCCGGGGCACATACACAGTACGTTGAGGCGATAGAA[G>A]GAGCTCACGGTTTCGCGGAGCTCGGCGCTGTGGGCGCGGCAGGTCACGCGCTGGCCATGA-3'
Protein context (NP_004637.1, residues 626-646): HSAELRETVS[Ser636=]FYRLNVLYRP